The following is an entry in ClinVar:

ClinVar aggregate classification (germline): Uncertain significance (0 of 4 stars; one submission).

Conditions:
IFT172-related disorder. Also called: IFT172-related disorders; IFT172-related condition.

Submission:

PreventionGenetics, part of Exact Sciences
Classification: Uncertain significance for IFT172-related condition. Last evaluated: 2024-02-01. Review status: no assertion criteria provided. Collection method: clinical testing. Allele origin: germline.
Comment: The IFT172 c.3992_3994delATA variant is predicted to result in an in-frame deletion (p.Asn1331del). To our knowledge, this variant has not been reported in the literature or in a large population database, indicating this variant is rare. At this time, the clinical significance of this variant is uncertain due to the absence of conclusive functional and genetic evidence.

NM_015662.3(IFT172):c.3992_3994del (p.Asn1331del)

Gene: IFT172 (intraflagellar transport 172; minus strand). Cytogenetic location: 2p23.3.
Variant type: Deletion.
Coding change: c.3992_3994del on transcript NM_015662.3 (MANE Select); coding-DNA positions 3992 to 3994, 3 bases deleted (ATA; older notation c.3992_3994delATA).
Protein change: p.Asn1331del; deletes asparagine 1331.
Molecular consequence: inframe deletion.
Genome position (GRCh38, 1-based): chr2:27,450,054-27,450,056, TAT deleted on the plus strand (ATA on the coding strand, the reverse complement: IFT172 is on the minus strand); deleting any 3 consecutive bases within chr2:27,450,054-27,450,058 gives the same sequence; the c. name uses the placement nearest the transcript's 3' end. VCF-style (leftmost placement, unchanged base first): chr2-27450053-ATAT-A. GRCh37 (hg19) VCF-style: chr2-27672920-ATAT-A.
Other names: c.3926_3928del, p.Asn1309del (NM_001410739.1); short protein forms N1309del, N1331del.
Identifiers: ClinVar variation 3350189 (VCV003350189.1).